The following is an entry in ClinVar:

NM_001372044.2(SHANK3):c.4019A>T (p.Asp1340Val)

Gene: SHANK3 (SH3 and multiple ankyrin repeat domains 3; plus strand). Cytogenetic location: 22q13.33.
Variant type: single nucleotide variant.
Coding change: c.4019A>T on transcript NM_001372044.2 (MANE Select); coding-DNA position 4019, A replaced by T.
Protein change: p.Asp1340Val; replaces aspartic acid 1340 with valine.
Molecular consequence: missense variant.
Genome position (GRCh38, 1-based): chr22:50,721,627, A>T. VCF-style: chr22-50721627-A-T. GRCh37 (hg19) VCF-style: chr22-51160055-A-T.
Other names: c.3794A>T, p.Asp1265Val (NM_033517.1); short protein forms D1265V, D1340V.
Identifiers: ClinVar variation 589163 (VCV000589163.13), dbSNP rs374885308, ClinGen allele CA10326140.

ClinVar aggregate classification (germline): Benign/Likely benign. Review status: criteria provided, multiple submitters, no conflicts (2 of 4 stars). 3 submissions from 3 submitters: Benign (1); Likely benign (2). Last evaluated 2025-04-01.

Conditions:
Inborn genetic diseases. Identifiers: MedGen C0950123, MeSH D030342.

Allele frequency attached by ClinVar (database versions not stated): 1000 Genomes Project 0.00120; 1000 Genomes Project 30x 0.00125; ExAC 0.00133; gnomAD below 0.00001 and 0.00011; TOPMed 0.00002; gnomAD exomes 0.00021 and 0.00052.

Submissions (3):

CeGaT Center for Human Genetics Tuebingen
Classification: Benign. Last evaluated: 2025-04-01. Review status: criteria provided, single submitter. Criteria: CeGaT Center For Human Genetics Tuebingen Variant Classification Criteria Version 2. Collection method: clinical testing. Allele origin: germline. Affected: yes. Observed: 2 variant alleles.
Comment: SHANK3: BS1, BS2

Blueprint Genetics
Classification: Likely benign. Last evaluated: 2024-03-09. Review status: criteria provided, single submitter. Criteria: ACMG Guidelines, 2015. Collection method: clinical testing. Allele origin: germline.

Ambry Genetics
Classification: Likely benign for Inborn genetic diseases. Last evaluated: 2017-05-30. Review status: criteria provided, single submitter. Criteria: Ambry Variant Classification Scheme 2023. Collection method: clinical testing. Allele origin: germline.